The following is an entry in ClinVar:

ClinVar aggregate classification (germline): Uncertain significance (1 of 4 stars; one submission).

Conditions:
Developmental and epileptic encephalopathy, 23 (DEE23). Also called: Epileptic encephalopathy, early infantile, 23. Identifiers: Orphanet 411986, MedGen C4014492, MONDO:0014371, OMIM 615859.

Allele frequency attached by ClinVar (database versions not stated): gnomAD exomes below 0.00001; ExAC 0.00001; gnomAD 0.00001; TOPMed 0.00001.
gnomAD v4.1: 1 of 1,610,750 alleles (0.000062%); highest among the groups gnomAD compares: African/African-American, 0.0013%; no homozygotes.

Submission:

Labcorp Genetics (formerly Invitae), Labcorp
Classification: Uncertain significance for Developmental and epileptic encephalopathy, 23. Last evaluated: 2025-09-02. Review status: criteria provided, single submitter. Criteria: Invitae Variant Classification Sherloc (09022015). Collection method: clinical testing. Allele origin: germline.
Comment: This sequence change replaces tyrosine, which is neutral and polar, with cysteine, which is neutral and slightly polar, at codon 1837 of the DOCK7 protein (p.Tyr1837Cys). This variant is present in population databases (rs767743963, gnomAD 0.007%). This variant has not been reported in the literature in individuals affected with DOCK7-related conditions. ClinVar contains an entry for this variant (Variation ID: 1488889). Invitae Evidence Modeling of protein sequence and biophysical properties (such as structural, functional, and spatial information, amino acid conservation, physicochemical variation, residue mobility, and thermodynamic stability) indicates that this missense variant is not expected to disrupt DOCK7 protein function with a negative predictive value of 80%. In summary, the available evidence is currently insufficient to determine the role of this variant in disease. Therefore, it has been classified as a Variant of Uncertain Significance.

NM_001367561.1(DOCK7):c.5543A>G (p.Tyr1848Cys)

Gene: DOCK7 (dedicator of cytokinesis 7; minus strand). Cytogenetic location: 1p31.3.
Variant type: single nucleotide variant.
Coding change: c.5543A>G on transcript NM_001367561.1 (MANE Select); coding-DNA position 5543, A replaced by G.
Protein change: p.Tyr1848Cys; replaces tyrosine 1848 with cysteine.
Molecular consequence: missense variant.
Genome position (GRCh38, 1-based): chr1:62,477,791, T>C on the plus strand (A>G on the coding strand, the complement: DOCK7 is on the minus strand). VCF-style: chr1-62477791-T-C. GRCh37 (hg19) VCF-style: chr1-62943462-T-C.
Other names: c.5510A>G, p.Tyr1837Cys (NM_001271999.2); c.5423A>G, p.Tyr1808Cys (NM_001272000.2); c.5417A>G, p.Tyr1806Cys (NM_001272001.2); c.5516A>G, p.Tyr1839Cys (NM_001330614.2); c.5450A>G, p.Tyr1817Cys (NM_033407.4); short protein forms Y1817C, Y1848C, Y1837C, Y1839C, Y1806C, Y1808C.
Identifiers: ClinVar variation 1488889 (VCV001488889.7), dbSNP rs767743963, ClinGen allele CA885400.